The following is an entry in ClinVar:

NM_001164508.2(NEB):c.24648del (p.Lys8216fs)

Genes: NEB (nebulin; minus strand), RIF1 (replication timing regulatory factor 1; plus strand). Cytogenetic location: 2q23.3.
Variant type: Deletion.
Coding change: c.24648del on transcript NM_001164508.2 (MANE Select); coding-DNA position 24648, one base deleted (A; older notation c.24648delA).
Protein change: p.Lys8216fs; shifts the reading frame from lysine 8216.
Molecular consequence: frameshift variant.
Genome position (GRCh38, 1-based): chr2:151,493,799, T deleted on the plus strand (A on the coding strand, the reverse complement: NEB is on the minus strand); the first of 3 consecutive T bases (chr2:151,493,799-151,493,801); deleting any one gives the same sequence. VCF-style (leftmost placement, unchanged base first): chr2-151493798-GT-G. GRCh37 (hg19) VCF-style: chr2-152350312-GT-G.
Other names: c.24648del, p.Lys8216fs (NM_001164507.2); c.24753del, p.Lys8251fs (NM_001271208.2); c.19080del, p.Lys6360fs (NM_004543.5); short protein forms K6360fs, K8216fs, K8251fs.
Identifiers: ClinVar variation 5012743 (VCV005012743.1).

ClinVar aggregate classification (germline): Pathogenic (1 of 4 stars; one submission).

Conditions:
Nemaline myopathy 2 (NEM2). Also called: Nemaline myopathy 2, autosomal recessive. Identifiers: MedGen C1850569, MONDO:0009725, OMIM 256030.

Submission:

Myriad Genetics, Inc.
Classification: Pathogenic for Nemaline myopathy 2. Last evaluated: 2024-02-15. Review status: criteria provided, single submitter. Criteria: Myriad Autosomal Dominant, Autosomal Recessive and X-Linked Classification Criteria (2023). Collection method: clinical testing. Allele origin: unknown.
Comment: NM_001271208.1(NEB):c.24753delA(K8251Nfs*16) is expected to be pathogenic in the context of NEB-related nemaline myopathy. This variant is predicted to lead to an abnormal or absent protein product due to the creation of a premature termination codon in NEB, a gene where loss-of-function variants are known to be pathogenic. Please note: this variant was assessed in the context of healthy population screening.